The following is an entry in ClinVar:

NM_006904.7(PRKDC):c.6125A>G (p.Gln2042Arg)

Gene: PRKDC (protein kinase, DNA-activated, catalytic subunit; minus strand). Cytogenetic location: 8q11.21.
Variant type: single nucleotide variant.
Coding change: c.6125A>G on transcript NM_006904.7 (MANE Select); coding-DNA position 6125, A replaced by G.
Protein change: p.Gln2042Arg; replaces glutamine 2042 with arginine.
Molecular consequence: missense variant.
Genome position (GRCh38, 1-based): chr8:47,859,693, T>C on the plus strand (A>G on the coding strand, the complement: PRKDC is on the minus strand). VCF-style: chr8-47859693-T-C. GRCh37 (hg19) VCF-style: chr8-48772254-T-C.
Other names: c.6125A>G, p.Gln2042Arg (NM_001081640.2); short protein forms Q2042R.
Identifiers: ClinVar variation 1751745 (VCV001751745.2), dbSNP rs750499158, ClinGen allele CA4740468.

ClinVar aggregate classification (germline): Uncertain significance (1 of 4 stars; one submission).

Allele frequency attached by ClinVar (database versions not stated): TOPMed below 0.00001; ExAC 0.00001; gnomAD 0.00001.
gnomAD v4.1: 2 of 1,613,740 alleles (0.00012%); highest among the groups gnomAD compares: Middle Eastern, 0.016%; no homozygotes.

Submission:

Ambry Genetics
Classification: Uncertain significance. Last evaluated: 2021-10-13. Review status: criteria provided, single submitter. Criteria: Ambry Variant Classification Scheme 2023. Collection method: clinical testing. Allele origin: germline.
Comment: The p.Q2042R variant (also known as c.6125A>G), located in coding exon 46 of the PRKDC gene, results from an A to G substitution at nucleotide position 6125. The glutamine at codon 2042 is replaced by arginine, an amino acid with highly similar properties. This amino acid position is conserved. Since supporting evidence is limited at this time, the clinical significance of this alteration remains unclear.